The following is an entry in ClinVar:

ClinVar aggregate classification (germline): Pathogenic (1 of 4 stars; one submission).

Submission:

Labcorp Genetics (formerly Invitae), Labcorp
Classification: Pathogenic. Last evaluated: 2021-04-10. Review status: criteria provided, single submitter. Criteria: Invitae Variant Classification Sherloc (09022015). Collection method: clinical testing. Allele origin: germline.
Comment: This variant is not present in population databases (ExAC no frequency). For these reasons, this variant has been classified as Pathogenic. This variant has not been reported in the literature in individuals with SLC25A4-related conditions. This sequence change creates a premature translational stop signal (p.Asn88Lysfs*20) in the SLC25A4 gene. It is expected to result in an absent or disrupted protein product. Loss-of-function variants in SLC25A4 are known to be pathogenic (PMID: 23401503, 25732997).

Literature cited by the submitters: PubMed 23401503; PubMed 25732997.

NM_001151.4(SLC25A4):c.263dup (p.Asn88fs)

Gene: SLC25A4 (solute carrier family 25 member 4; plus strand). Cytogenetic location: 4q35.1.
Variant type: Duplication.
Coding change: c.263dup on transcript NM_001151.4 (MANE Select); coding-DNA position 263, one base duplicated (A; older notation c.263dupA).
Protein change: p.Asn88fs; shifts the reading frame from asparagine 88.
Molecular consequence: frameshift variant.
Genome position (GRCh38, 1-based): chr4:185,144,915, A duplicated; the last of 2 consecutive A bases (chr4:185,144,914-185,144,915); duplicating either gives the same sequence. VCF-style (leftmost placement, unchanged base first): chr4-185144913-C-CA. GRCh37 (hg19) VCF-style: chr4-186066067-C-CA.
Other names: short protein forms N88fs.
Identifiers: ClinVar variation 1451765 (VCV001451765.6), dbSNP rs1734410318, ClinGen allele CA1519347153.
Genomic context (GRCh38, chr4:185,144,913, plus strand): 5'-CCTCTCCTTCTGGAGGGGTAACCTGGCCAACGTGATCCGTTACTTCCCCACCCAAGCTCT[C>CA]AACTTCGCCTTCAAGGACAAGTACAAGCAGCTCTTCTTAGGGGGTGTGGATCGGCATAAG-3'